The following is an entry in ClinVar:

NM_181426.2(CCDC39):c.2587-5T>A

Genes: CCDC39 (coiled-coil domain 39 molecular ruler complex subunit; minus strand), TTC14 (tetratricopeptide repeat domain 14; plus strand). Cytogenetic location: 3q26.33.
Variant type: single nucleotide variant.
Coding change: c.2587-5T>A on transcript NM_181426.2 (MANE Select); 5 bases into the intron before coding-DNA position 2587, T replaced by A.
Molecular consequence: intron variant.
Genome position (GRCh38, 1-based): chr3:180,616,368, A>T on the plus strand (T>A on the coding strand, the complement: CCDC39 is on the minus strand). VCF-style: chr3-180616368-A-T. GRCh37 (hg19) VCF-style: chr3-180334156-A-T.
Other names: c.1775-1012A>T (NM_001288582.2).
Identifiers: ClinVar variation 4745257 (VCV004745257.1).
Genomic context (GRCh38, chr3:180,616,368, plus strand): 5'-GATCTAGAGCTCTGACGACTGCCTTTTGTGCTAGCTGTAGGTAGTTCTAACCCACTCTGG[A>T]GGAATATTCAATAGCAATCATTAGTACTACCTACTGTTTTTTAGAAGATAAATATTTTTA-3'

ClinVar aggregate classification (germline): Uncertain significance (1 of 4 stars; one submission).

Conditions:
Primary ciliary dyskinesia. Also called: Ciliary dyskinesia. Identifiers: Orphanet 244, MedGen C0008780, MONDO:0016575, HP:0012265.

gnomAD v4.1: 5 of 1,607,854 alleles (0.00031%); highest among the groups gnomAD compares: African/African-American, 0.0053%; no homozygotes.

Submission:

Labcorp Genetics (formerly Invitae), Labcorp
Classification: Uncertain significance for Primary ciliary dyskinesia. Last evaluated: 2025-11-18. Review status: criteria provided, single submitter. Criteria: Invitae Variant Classification Sherloc (09022015). Collection method: clinical testing. Allele origin: germline.
Comment: This sequence change falls in intron 18 of the CCDC39 gene. It does not directly change the encoded amino acid sequence of the CCDC39 protein. This variant is present in population databases (rs746715780, gnomAD 0.007%). This variant has not been reported in the literature in individuals affected with CCDC39-related conditions. Algorithms developed to predict the effect of sequence changes on RNA splicing suggest that this variant may disrupt the consensus splice site. In summary, the available evidence is currently insufficient to determine the role of this variant in disease. Therefore, it has been classified as a Variant of Uncertain Significance.